The following is an entry in ClinVar:

NM_000285.4(PEPD):c.1255G>A (p.Asp419Asn)

Gene: PEPD (peptidase D; minus strand). Cytogenetic location: 19q13.11.
Variant type: single nucleotide variant.
Coding change: c.1255G>A on transcript NM_000285.4 (MANE Select); coding-DNA position 1255, G replaced by A.
Protein change: p.Asp419Asn; replaces aspartic acid 419 with asparagine.
Molecular consequence: missense variant.
Genome position (GRCh38, 1-based): chr19:33,387,979, C>T on the plus strand (G>A on the coding strand, the complement: PEPD is on the minus strand). VCF-style: chr19-33387979-C-T. GRCh37 (hg19) VCF-style: chr19-33878885-C-T.
Other names: c.1132G>A, p.Asp378Asn (NM_001166056.2); c.1063G>A, p.Asp355Asn (NM_001166057.2); short protein forms D419N, D355N, D378N.
Identifiers: ClinVar variation 2148648 (VCV002148648.1), dbSNP rs559002568, ClinGen allele CA9363947.

ClinVar aggregate classification (germline): Uncertain significance (1 of 4 stars; one submission).

Allele frequency attached by ClinVar (database versions not stated): 1000 Genomes Project 30x 0.00016; 1000 Genomes Project 0.00020.
gnomAD v4.1: 75 of 1,593,166 alleles (0.0047%); highest among the groups gnomAD compares: South Asian, 0.03%; no homozygotes.

Submission:

Labcorp Genetics (formerly Invitae), Labcorp
Classification: Uncertain significance. Last evaluated: 2022-03-26. Review status: criteria provided, single submitter. Criteria: Invitae Variant Classification Sherloc (09022015). Collection method: clinical testing. Allele origin: germline.
Comment: This sequence change replaces aspartic acid, which is acidic and polar, with asparagine, which is neutral and polar, at codon 419 of the PEPD protein (p.Asp419Asn). This variant is present in population databases (rs559002568, gnomAD 0.03%). This variant has not been reported in the literature in individuals affected with PEPD-related conditions. Algorithms developed to predict the effect of missense changes on protein structure and function (SIFT, PolyPhen-2, Align-GVGD) all suggest that this variant is likely to be tolerated. In summary, the available evidence is currently insufficient to determine the role of this variant in disease. Therefore, it has been classified as a Variant of Uncertain Significance.